The following is an entry in ClinVar:

ClinVar aggregate classification (germline): Likely benign. Review status: criteria provided, multiple submitters, no conflicts (2 of 4 stars). 2 submissions from 2 submitters: Likely benign (2). Last evaluated 2025-02-01.

Submissions (2):

CeGaT Center for Human Genetics Tuebingen
Classification: Likely benign. Last evaluated: 2025-02-01. Review status: criteria provided, single submitter. Criteria: CeGaT Center For Human Genetics Tuebingen Variant Classification Criteria Version 2. Collection method: clinical testing. Allele origin: germline. Affected: yes. Observed: 2 variant alleles.
Comment: TNPO2: BP4, BP7

Blueprint Genetics
Classification: Likely benign. Last evaluated: 2024-11-13. Review status: criteria provided, single submitter. Criteria: ACMG Guidelines, 2015. Collection method: clinical testing. Allele origin: germline.

NM_001382241.1(TNPO2):c.60A>G (p.Ser20=)

Gene: TNPO2 (transportin 2; minus strand). Cytogenetic location: 19p13.13.
Variant type: single nucleotide variant.
Coding change: c.60A>G on transcript NM_001382241.1 (MANE Select); coding-DNA position 60, A replaced by G.
Protein change: p.Ser20=; no amino-acid change (serine 20 retained).
Molecular consequence: synonymous variant. On other transcripts: non-coding transcript variant (6).
Genome position (GRCh38, 1-based): chr19:12,720,918, T>C on the plus strand (A>G on the coding strand, the complement: TNPO2 is on the minus strand). VCF-style: chr19-12720918-T-C. GRCh37 (hg19) VCF-style: chr19-12831732-T-C.
Other names: c.60A>G, p.Ser20= (NM_001136195.2, NM_001136196.2, NM_001382236.1 and 7 more transcripts).
Identifiers: ClinVar variation 3770766 (VCV003770766.14).
Genomic context (GRCh38, chr19:12,720,918, plus strand): 5'-CCCGGAAGGAAGGAAGGATACATCCTGCACGATGCGCTGAGTGGCTGTGTTGGGCGACTG[T>C]GAGTCTTTGAGCAGCTGCAGGACCTGCTGCAGGCCCTGCTCGTCTGGCTGCCAGTCCATG-3'
Protein context (NP_001369170.1, residues 10-30): LQQVLQLLKD[Ser20=]QSPNTATQRI